The following is an entry in ClinVar:

ClinVar aggregate classification (germline): Likely benign (1 of 4 stars; one submission).

Conditions:
HERC2-related disorder. Also called: HERC2-related condition.

gnomAD v4.1: 77 of 1,613,988 alleles (0.0048%); highest among the groups gnomAD compares: African/African-American, 0.079%; no homozygotes.

Submission:

PreventionGenetics, part of Exact Sciences
Classification: Likely benign for HERC2-related condition. Last evaluated: 2026-08-18. Review status: criteria provided, single submitter. Criteria: ACMG Guidelines, 2015. Collection method: clinical testing. Allele origin: germline.
Comment: This variant is classified as likely benign based on ACMG/AMP sequence variant interpretation guidelines (Richards et al. 2015 PMID: 25741868, with internal and published modifications).

NM_004667.6(HERC2):c.13881C>T (p.Arg4627=)

Gene: HERC2 (HECT and RLD domain containing E3 ubiquitin protein ligase 2; minus strand). Cytogenetic location: 15q13.1.
Variant type: single nucleotide variant.
Coding change: c.13881C>T on transcript NM_004667.6 (MANE Select); coding-DNA position 13881, C replaced by T.
Protein change: p.Arg4627=; no amino-acid change (arginine 4627 retained).
Molecular consequence: synonymous variant.
Genome position (GRCh38, 1-based): chr15:28,114,644, G>A on the plus strand (C>T on the coding strand, the complement: HERC2 is on the minus strand). VCF-style: chr15-28114644-G-A. GRCh37 (hg19) VCF-style: chr15-28359790-G-A.
Identifiers: ClinVar variation 4985533 (VCV004985533.1).